The following is an entry in ClinVar:

ClinVar aggregate classification (germline): Pathogenic (1 of 4 stars; one submission).

Conditions:
Mevalonic aciduria (MEVA). Identifiers: Orphanet 29, MedGen C1959626, MONDO:0012481, OMIM 610377.
Porokeratosis 3, disseminated superficial actinic type (POROK3). Also called: POROKERATOSIS, DISSEMINATED SUPERFICIAL ACTINIC, 1; POROKERATOSIS 3, MULTIPLE TYPES; POROKERATOSIS 3, MIBELLI TYPE. Identifiers: MedGen C1867981, MONDO:0008293, OMIM 175900.
Hyperimmunoglobulin D with periodic fever (HIDS). Also called: Hyperimmunoglobulinemia D; HYPERIMMUNOGLOBULINEMIA D AND PERIODIC FEVER SYNDROME; Hyperimmunoglobulinemia D with periodic fever. Identifiers: Orphanet 343, MedGen C0398691, MONDO:0009849, OMIM 260920.

Submission:

Labcorp Genetics (formerly Invitae), Labcorp
Classification: Pathogenic for Mevalonic aciduria; Hyperimmunoglobulin D with periodic fever; Porokeratosis 3, disseminated superficial actinic type. Last evaluated: 2023-10-17. Review status: criteria provided, single submitter. Criteria: Invitae Variant Classification Sherloc (09022015). Collection method: clinical testing. Allele origin: germline.
Comment: This sequence change creates a premature translational stop signal (p.Leu129Argfs*18) in the MVK gene. It is expected to result in an absent or disrupted protein product. Loss-of-function variants in MVK are known to be pathogenic (PMID: 16835861, 17105862, 23834120). This variant is not present in population databases (gnomAD no frequency). This variant has not been reported in the literature in individuals affected with MVK-related conditions. For these reasons, this variant has been classified as Pathogenic.

Literature cited by the submitters: PubMed 16835861; PubMed 17105862; PubMed 23834120.

NM_000431.4(MVK):c.386_422del (p.Leu129fs)

Gene: MVK (mevalonate kinase; plus strand). Cytogenetic location: 12q24.11.
Variant type: Deletion.
Coding change: c.386_422del on transcript NM_000431.4 (MANE Select); coding-DNA positions 386 to 422, 37 bases deleted.
Protein change: p.Leu129fs; shifts the reading frame from leucine 129.
Molecular consequence: frameshift variant. On other transcripts: 5 prime UTR variant (1), non-coding transcript variant (3), intron variant (2).
Genome position (GRCh38, 1-based): chr12:109,581,409-109,581,445, 37 bases deleted; deleting any 37 consecutive bases within chr12:109,581,408-109,581,445 gives the same sequence; the c. name uses the placement nearest the transcript's 3' end. GRCh37 (hg19): chr12:110,019,214-110,019,250.
Other names: c.386_422del, p.Leu129fs (NM_001114185.3, NM_001414511.1, NM_001414512.1 and 1 more transcripts); c.-197_-161del (NM_001414515.1); c.371+1463_371+1499del (NM_001414514.1, NM_001301182.2); short protein forms L129fs.
Identifiers: ClinVar variation 2953001 (VCV002953001.3), dbSNP rs2548625240, ClinGen allele CA2740092600.